The following is an entry in ClinVar:

NM_001164508.2(NEB):c.22914T>A (p.Tyr7638Ter)

Genes: NEB (nebulin; minus strand), RIF1 (replication timing regulatory factor 1; plus strand). Cytogenetic location: 2q23.3.
Variant type: single nucleotide variant.
Coding change: c.22914T>A on transcript NM_001164508.2 (MANE Select); coding-DNA position 22914, T replaced by A.
Protein change: p.Tyr7638Ter; replaces tyrosine 7638 with a stop codon.
Molecular consequence: nonsense.
Genome position (GRCh38, 1-based): chr2:151,514,920, A>T on the plus strand (T>A on the coding strand, the complement: NEB is on the minus strand). VCF-style: chr2-151514920-A-T. GRCh37 (hg19) VCF-style: chr2-152371434-A-T.
Other names: c.22914T>A, p.Tyr7638Ter (NM_001164507.2); c.23019T>A, p.Tyr7673Ter (NM_001271208.2); c.17811T>A, p.Tyr5937Ter (NM_004543.5); short protein forms Y7638*, Y7673*, Y5937*.
Identifiers: ClinVar variation 2864794 (VCV002864794.4), dbSNP rs1035343199, ClinGen allele CA348754846.
Genomic context (GRCh38, chr2:151,514,920, plus strand): 5'-TGGCGTGACCTCCAGGCCAGTCAGGTTTCTGCCTTTAATGGACTCTTCATAATCTTTCCT[A>T]TATTCTTTCTAATGTAAGTAGGAAGGAAAGACAAGTTAAAAAAAAATCTTTATTACAATA-3'

ClinVar aggregate classification (germline): Pathogenic. Review status: criteria provided, multiple submitters, no conflicts (2 of 4 stars). 2 submissions from 2 submitters: Pathogenic (2). Last evaluated 2025-09-09.

Conditions:
Nemaline myopathy 2 (NEM2). Also called: Nemaline myopathy 2, autosomal recessive. Identifiers: MedGen C1850569, MONDO:0009725, OMIM 256030.

gnomAD v4.1: 4 of 1,559,634 alleles (0.00026%); highest among the groups gnomAD compares: Non-Finnish European, 0.00035%; no homozygotes.

Submissions (2):

Myriad Genetics, Inc.
Classification: Pathogenic for Nemaline myopathy 2. Last evaluated: 2025-09-09. Review status: criteria provided, single submitter. Criteria: Myriad Autosomal Dominant, Autosomal Recessive and X-Linked Classification Criteria (2023). Collection method: clinical testing. Allele origin: unknown.
Comment: NM_001271208.1(NEB):c.23019T>A(Y7673*) is expected to be pathogenic in the context of NEB-related nemaline myopathy. This variant is predicted to lead to an abnormal or absent protein product due to the creation of a premature termination codon in NEB, a gene where loss-of-function variants are known to be pathogenic. Please note: this variant was assessed in the context of healthy population screening.

Labcorp Genetics (formerly Invitae), Labcorp
Classification: Pathogenic for Nemaline myopathy 2. Last evaluated: 2025-07-30. Review status: criteria provided, single submitter. Criteria: Invitae Variant Classification Sherloc (09022015). Collection method: clinical testing. Allele origin: germline.
Comment: This sequence change creates a premature translational stop signal (p.Tyr7673*) in the NEB gene. It is expected to result in an absent or disrupted protein product. Loss-of-function variants in NEB are known to be pathogenic (PMID: 25205138). This variant is not present in population databases (gnomAD no frequency). This variant has not been reported in the literature in individuals affected with NEB-related conditions. ClinVar contains an entry for this variant (Variation ID: 2864794). For these reasons, this variant has been classified as Pathogenic.

Literature cited by the submitters: PubMed 25205138 (cited by Labcorp Genetics (formerly Invitae), Labcorp).